The following is an entry in ClinVar:

ClinVar aggregate classification (germline): Conflicting classifications of pathogenicity. Review status: criteria provided, conflicting classifications (1 of 4 stars). 2 submissions from 2 submitters: Likely pathogenic (1); Uncertain significance (1). Last evaluated 2026-03-30.

Conditions:
Pan-Chung-Bellen syndrome. Identifiers: MedGen C5975547, MONDO:0975953, OMIM 621049.

Submissions (2):

Ambry Genetics
Classification: Uncertain significance. Last evaluated: 2026-03-30. Review status: criteria provided, single submitter. Criteria: Ambry Variant Classification Scheme 2023. Collection method: clinical testing. Allele origin: germline.
Comment: The c.5059_5063delGATTA (p.D1687*) alteration, located in exon 41 (coding exon 38) of the FRYL gene, consists of a deletion of 5 nucleotides from position 5059 to 5063. This changes the amino acid from an aspartic acid (D) to a stop codon at amino acid position 1687. This alteration is expected to result in loss of function by premature protein truncation or nonsense-mediated mRNA decay. However, loss of function of FRYL has not been established as a mechanism of disease. This variant was not reported in population-based cohorts in the Genome Aggregation Database (gnomAD). Based on insufficient or conflicting evidence, the clinical significance of this alteration remains unclear.

Variantyx, Inc.
Classification: Likely pathogenic for Pan-Chung-Bellen syndrome. Last evaluated: 2025-09-03. Review status: criteria provided, single submitter. Criteria: Variantyx Assertion Criteria 2022. Collection method: clinical testing. Allele origin: germline. Inheritance: Autosomal dominant inheritance. Affected: yes.
Comment: This is a frameshift variant in the FRYL gene (OMIM: 620798). Pathogenic variants in this gene have been associated with autosomal dominant Pan-Chung-Bellen syndrome. This variant introduces a premature termination codon in exon 41 out of 164 and is expected to result in loss of function, which is a known disease mechanism for FRYL in this disorder (PMID: 38479391) (PVS1). This variant is absent from control populations (PM2) and has not been reported in individuals with FRYL-related disorders in the databases available for review. Based on the current evidence, this variant is classified as likely pathogenic for autosomal dominant Pan-Chung-Bellen syndrome.

Literature cited by the submitters: PubMed 38479391 (cited by Variantyx, Inc.).

NM_015030.2(FRYL):c.5059_5063del (p.Leu1686_Asp1687insTer)

Gene: FRYL (FRY like transcription coactivator; minus strand). Cytogenetic location: 4p11.
Variant type: Deletion.
Coding change: c.5059_5063del on transcript NM_015030.2 (MANE Select); coding-DNA positions 5059 to 5063, 5 bases deleted (GATTA; older notation c.5059_5063delGATTA).
Protein change: p.Leu1686_Asp1687insTer.
Molecular consequence: nonsense.
Genome position (GRCh38, 1-based): chr4:48,547,595-48,547,599, TAATC deleted on the plus strand (GATTA on the coding strand, the reverse complement: FRYL is on the minus strand); deleting any 5 consecutive bases within chr4:48,547,595-48,547,602 gives the same sequence; the c. name uses the placement nearest the transcript's 3' end. VCF-style (leftmost placement, unchanged base first): chr4-48547594-ATAATC-A. GRCh37 (hg19) VCF-style: chr4-48549611-ATAATC-A.
Identifiers: ClinVar variation 4260121 (VCV004260121.2).